The following is an entry in ClinVar:

NM_004859.4(CLTC):c.3928G>A (p.Glu1310Lys)

Gene: CLTC (clathrin heavy chain; plus strand). Cytogenetic location: 17q23.1.
Variant type: single nucleotide variant.
Coding change: c.3928G>A on transcript NM_004859.4 (MANE Select); coding-DNA position 3928, G replaced by A.
Protein change: p.Glu1310Lys; replaces glutamic acid 1310 with lysine.
Molecular consequence: missense variant.
Genome position (GRCh38, 1-based): chr17:59,683,149, G>A. VCF-style: chr17-59683149-G-A. GRCh37 (hg19) VCF-style: chr17-57760510-G-A.
Other names: c.3940G>A, p.Glu1314Lys (NM_001288653.2); short protein forms E1310K, E1314K.
Identifiers: ClinVar variation 3897616 (VCV003897616.1).

ClinVar aggregate classification (germline): Likely pathogenic (1 of 4 stars; one submission).

Conditions:
Intellectual developmental disorder, autosomal dominant 56. Also called: MENTAL RETARDATION, AUTOSOMAL DOMINANT 56; Intellectual disability, autosomal dominant 56. Identifiers: MedGen C4693389, MONDO:0030922, OMIM 617854.

Submission:

Genetics Laboratory, UDIAT-Centre Diagnòstic, Hospital Universitari Parc Tauli
Classification: Likely pathogenic for intellectual disability, autosomal dominant 56. Last evaluated: 2023-08-02. Review status: criteria provided, single submitter. Criteria: ACMG Guidelines, 2015. Collection method: clinical testing. Allele origin: unknown. Inheritance: Autosomal dominant inheritance. Affected: yes.
Comment: PM1_moderate;PM2_supporting;PM6_moderate;PP3_supporting